The following is an entry in ClinVar:

ClinVar aggregate classification (germline): Uncertain significance. Review status: criteria provided, multiple submitters, no conflicts (2 of 4 stars). 3 submissions from 3 submitters: Uncertain significance (3). Last evaluated 2024-03-11.

Conditions:
Inborn genetic diseases. Identifiers: MedGen C0950123, MeSH D030342.
Microphthalmia with brain and digit anomalies (MCOPS6). Also called: MICROPHTHALMIA AND PITUITARY ANOMALIES; Microphthalmia, syndromic 6. Identifiers: Orphanet 139471, MedGen C1864689, MONDO:0011936, OMIM 607932.
Orofacial cleft 11 (OFC11). Also called: CLEFT LIP WITH OR WITHOUT CLEFT PALATE, NONSYNDROMIC, 11; Orofacial cleft 11; ofc11. Identifiers: MedGen C2677434, MONDO:0010906, OMIM 600625.

Allele frequency attached by ClinVar (database versions not stated): TOPMed 0.00001.

Submissions (3):

Labcorp Genetics (formerly Invitae), Labcorp
Classification: Uncertain significance for Microphthalmia with brain and digit anomalies; Orofacial cleft 11. Last evaluated: 2024-03-11. Review status: criteria provided, single submitter. Criteria: Invitae Variant Classification Sherloc (09022015). Collection method: clinical testing. Allele origin: germline.
Comment: This sequence change replaces arginine, which is basic and polar, with glutamine, which is neutral and polar, at codon 286 of the BMP4 protein (p.Arg286Gln). This variant is present in population databases (rs550226363, gnomAD 0.006%). This variant has not been reported in the literature in individuals affected with BMP4-related conditions. ClinVar contains an entry for this variant (Variation ID: 1022631). An algorithm developed to predict the effect of missense changes on protein structure and function (PolyPhen-2) suggests that this variant is likely to be tolerated. In summary, the available evidence is currently insufficient to determine the role of this variant in disease. Therefore, it has been classified as a Variant of Uncertain Significance.

Fulgent Genetics
Classification: Uncertain significance for Orofacial cleft 11; Microphthalmia with brain and digit anomalies. Last evaluated: 2022-05-03. Review status: criteria provided, single submitter. Criteria: ACMG Guidelines, 2015. Collection method: clinical testing. Allele origin: unknown.

Ambry Genetics
Classification: Uncertain significance for Inborn genetic diseases. Last evaluated: 2020-10-30. Review status: criteria provided, single submitter. Criteria: Ambry Variant Classification Scheme 2023. Collection method: clinical testing. Allele origin: germline.
Comment: The c.857G>A (p.R286Q) alteration is located in exon 4 (coding exon 2) of the BMP4 gene. This alteration results from a G to A substitution at nucleotide position 857, causing the arginine (R) at amino acid position 286 to be replaced by a glutamine (Q). Based on data from the Genome Aggregation Database (gnomAD) database, the BMP4 c.857G>A alteration was observed in 0.0004% (1/250582) of total alleles studied. This amino acid position is well conserved in available vertebrate species. The p.R286Q alteration is predicted to be tolerated by in silico analysis. Based on insufficient or conflicting evidence, the clinical significance of this alteration remains unclear.

NM_001202.6(BMP4):c.857G>A (p.Arg286Gln)

Gene: BMP4 (bone morphogenetic protein 4; minus strand). Cytogenetic location: 14q22.2.
Variant type: single nucleotide variant.
Coding change: c.857G>A on transcript NM_001202.6 (MANE Select); coding-DNA position 857, G replaced by A.
Protein change: p.Arg286Gln; replaces arginine 286 with glutamine.
Molecular consequence: missense variant.
Genome position (GRCh38, 1-based): chr14:53,950,402, C>T on the plus strand (G>A on the coding strand, the complement: BMP4 is on the minus strand). VCF-style: chr14-53950402-C-T. GRCh37 (hg19) VCF-style: chr14-54417120-C-T.
Other names: c.998G>A, p.Arg333Gln (NM_001347912.1); c.668G>A, p.Arg223Gln (NM_001347913.2, NM_001347915.2, NM_001347917.1); c.857G>A, p.Arg286Gln (NM_001347914.2, NM_001347916.1, NM_130850.5 and 1 more transcripts); c.857G>A (NM_001202.3); short protein forms R223Q, R286Q, R333Q.
Identifiers: ClinVar variation 1022631 (VCV001022631.10), dbSNP rs550226363, ClinGen allele CA7191661.